The following is an entry in ClinVar:

ClinVar aggregate classification (germline): Pathogenic (1 of 4 stars; one submission).

Submission:

Labcorp Genetics (formerly Invitae), Labcorp
Classification: Pathogenic. Last evaluated: 2023-10-29. Review status: criteria provided, single submitter. Criteria: Invitae Variant Classification Sherloc (09022015). Collection method: clinical testing. Allele origin: germline.
Comment: This sequence change creates a premature translational stop signal (p.Asn523Thrfs*13) in the LOXHD1 gene. It is expected to result in an absent or disrupted protein product. Loss-of-function variants in LOXHD1 are known to be pathogenic (PMID: 19732867, 21465660, 25792669). This variant is not present in population databases (gnomAD no frequency). This variant has not been reported in the literature in individuals affected with LOXHD1-related conditions. For these reasons, this variant has been classified as Pathogenic.

Literature cited by the submitters: PubMed 19732867; PubMed 21465660; PubMed 25792669.

NM_001384474.1(LOXHD1):c.1568del (p.Asn523fs)

Gene: LOXHD1 (lipoxygenase homology PLAT domains 1; minus strand). Cytogenetic location: 18q21.1.
Variant type: Deletion.
Coding change: c.1568del on transcript NM_001384474.1 (MANE Select); coding-DNA position 1568, one base deleted (A; older notation c.1568delA).
Protein change: p.Asn523fs; shifts the reading frame from asparagine 523.
Molecular consequence: frameshift variant.
Genome position (GRCh38, 1-based): chr18:46,592,019, T deleted on the plus strand (A on the coding strand, the reverse complement: LOXHD1 is on the minus strand); the first of 2 consecutive T bases (chr18:46,592,019-46,592,020); deleting either gives the same sequence. VCF-style (leftmost placement, unchanged base first): chr18-46592018-GT-G. GRCh37 (hg19) VCF-style: chr18-44171981-GT-G.
Other names: c.1568del, p.Asn523fs (NM_144612.7); short protein forms N523fs.
Identifiers: ClinVar variation 2839631 (VCV002839631.3), dbSNP rs2511924466, ClinGen allele CA2641673797.